The following is an entry in ClinVar:

ClinVar aggregate classification (germline): Benign/Likely benign. Review status: criteria provided, multiple submitters, no conflicts (2 of 4 stars). 3 submissions from 3 submitters: Benign (1); Likely benign (2). Last evaluated 2026-04-17.

Conditions:
DICER1-related tumor predisposition. Also called: DICER1-related pleuropulmonary blastoma cancer predisposition syndrome; DICER1 syndrome. Identifiers: Orphanet 284343, MedGen C3839822, MONDO:0100216.
Hereditary cancer-predisposing syndrome. Also called: Neoplastic Syndromes, Hereditary; Tumor predisposition; Hereditary neoplastic syndrome; Hereditary Cancer Syndrome. Identifiers: Orphanet 140162, MedGen C0027672, MeSH D009386, MONDO:0015356.

Submissions (3):

Myriad Genetics, Inc.
Classification: Benign for DICER1-related tumor predisposition. Last evaluated: 2026-04-17. Review status: criteria provided, single submitter. Criteria: Myriad Autosomal Dominant, Autosomal Recessive and X-Linked Classification Criteria (2023). Collection method: clinical testing. Allele origin: unknown.
Comment: This variant is considered benign. This variant is a silent/synonymous amino acid change and it is not expected to impact splicing.

Labcorp Genetics (formerly Invitae), Labcorp
Classification: Likely benign for DICER1-related tumor predisposition. Last evaluated: 2025-08-13. Review status: criteria provided, single submitter. Criteria: Invitae Variant Classification Sherloc (09022015). Collection method: clinical testing. Allele origin: germline.

Ambry Genetics
Classification: Likely benign for Hereditary cancer-predisposing syndrome. Last evaluated: 2020-03-17. Review status: criteria provided, single submitter. Criteria: Ambry Variant Classification Scheme 2023. Collection method: clinical testing. Allele origin: germline.

NM_177438.3(DICER1):c.4237C>T (p.Leu1413=)

Gene: DICER1 (dicer 1, ribonuclease III; minus strand). Cytogenetic location: 14q32.13.
Variant type: single nucleotide variant.
Coding change: c.4237C>T on transcript NM_177438.3 (MANE Select); coding-DNA position 4237, C replaced by T.
Protein change: p.Leu1413=; no amino-acid change (leucine 1413 retained).
Molecular consequence: synonymous variant. On other transcripts: non-coding transcript variant (6).
Genome position (GRCh38, 1-based): chr14:95,096,683, G>A on the plus strand (C>T on the coding strand, the complement: DICER1 is on the minus strand). VCF-style: chr14-95096683-G-A. GRCh37 (hg19) VCF-style: chr14-95563020-G-A.
Other names: c.4237C>T, p.Leu1413= (NM_001195573.1, NM_001271282.3, NM_001291628.2 and 13 more transcripts); c.3955C>T, p.Leu1319= (NM_001395686.1); c.3832C>T, p.Leu1278= (NM_001395687.1, NM_001395688.1, NM_001395689.1 and 2 more transcripts); c.3670C>T, p.Leu1224= (NM_001395691.1); c.2554C>T, p.Leu852= (NM_001395697.1).
Identifiers: ClinVar variation 1738947 (VCV001738947.4), dbSNP rs2542515628, ClinGen allele CA487844356.